The following is an entry in ClinVar:

NM_007294.4(BRCA1):c.4358-6T>C

Gene: BRCA1 (BRCA1 DNA repair associated; minus strand). Cytogenetic location: 17q21.31.
Variant type: single nucleotide variant.
Coding change: c.4358-6T>C on transcript NM_007294.4 (MANE Select); 6 bases into the intron before coding-DNA position 4358, T replaced by C.
Molecular consequence: intron variant.
Genome position (GRCh38, 1-based): chr17:43,076,620, A>G on the plus strand (T>C on the coding strand, the complement: BRCA1 is on the minus strand). VCF-style: chr17-43076620-A-G. GRCh37 (hg19) VCF-style: chr17-41228637-A-G.
Other names: c.908-9T>C (NM_001408458.1, NM_001408461.1, NM_001408459.1 and 1 more transcripts); c.3470-9T>C (NM_001407967.1); c.3977-6T>C (NM_001407959.1); c.4091-6T>C (NM_001407931.1, NM_001407932.1, NM_001407930.1 and 1 more transcripts); c.4214-6T>C (NM_001407747.1, NM_001407745.1, NM_001407746.1 and 11 more transcripts); c.3974-6T>C (NM_001407962.1); c.545-6T>C (NM_001408512.1); c.668-6T>C (NM_001408510.1); and 98 more.
Identifiers: ClinVar variation 431262 (VCV000431262.14), dbSNP rs1135401875, ClinGen allele CA645373167.
Genomic context (GRCh38, chr17:43,076,620, plus strand): 5'-CCTTCTGGATTCTGGCTTATAGGGTATTCACTACTTTTCTGTGAAGTTAATACTGCTTTA[A>G]ATGGAATGAGAAAACAAATCTACTTTACTGCTTTGTTCTGATAGTGATAATTCAGGTTAG-3'

ClinVar aggregate classification (germline): Conflicting classifications of pathogenicity. Review status: criteria provided, conflicting classifications (1 of 4 stars). 4 submissions from 4 submitters: Uncertain significance (2); Likely benign (1). 1 of the submissions does not count toward it. Last evaluated 2026-04-21.

Conditions:
Hereditary breast ovarian cancer syndrome. Also called: Hereditary breast and ovarian cancer syndrome (HBOC); BRCA1- and BRCA2-Associated Hereditary Breast and Ovarian Cancer; Hereditary breast and/or ovarian cancer syndrome; Hereditary breast and ovarian cancer syndrome; Hereditary breast and ovarian cancer; Breast and ovarian cancer. Identifiers: Orphanet 145, MedGen C0677776, MeSH D061325, MONDO:0003582. Disease mechanism: loss of function.
Hereditary cancer-predisposing syndrome. Also called: Neoplastic Syndromes, Hereditary; Hereditary neoplastic syndrome; Tumor predisposition; Hereditary Cancer Syndrome. Identifiers: Orphanet 140162, MedGen C0027672, MeSH D009386, MONDO:0015356.
Breast-ovarian cancer, familial, susceptibility to, 1 (BROVCA1). Also called: BRCA1 Hereditary Breast and Ovarian Cancer; OVARIAN CANCER, SUSCEPTIBILITY TO. Identifiers: Orphanet 145, MedGen C2676676, MONDO:0011450, OMIM 604370. Disease mechanism: loss of function.

Submissions (4):

Myriad Genetics, Inc.
Classification: Likely benign for Breast-ovarian cancer, familial, susceptibility to, 1. Last evaluated: 2026-04-21. Review status: criteria provided, single submitter. Criteria: Myriad Autosomal Dominant, Autosomal Recessive and X-Linked Classification Criteria (2023). Collection method: clinical testing. Allele origin: unknown.
Comment: This variant is considered likely benign. This variant is intronic and is not expected to impact mRNA splicing. This variant has been observed in conjunction with multiple pathogenic variants, reducing the likelihood this variant itself is pathogenic.

Labcorp Genetics (formerly Invitae), Labcorp
Classification: Uncertain significance for Hereditary breast ovarian cancer syndrome. Last evaluated: 2024-07-11. Review status: criteria provided, single submitter. Criteria: Invitae Variant Classification Sherloc (09022015). Collection method: clinical testing. Allele origin: germline.
Comment: This sequence change falls in intron 12 of the BRCA1 gene. It does not directly change the encoded amino acid sequence of the BRCA1 protein. This variant is not present in population databases (gnomAD no frequency). This variant has not been reported in the literature in individuals affected with BRCA1-related conditions. ClinVar contains an entry for this variant (Variation ID: 431262). Algorithms developed to predict the effect of sequence changes on RNA splicing suggest that this variant may create or strengthen a splice site. In summary, the available evidence is currently insufficient to determine the role of this variant in disease. Therefore, it has been classified as a Variant of Uncertain Significance.

Color Diagnostics, LLC DBA Color Health
Classification: Uncertain significance for Hereditary cancer-predisposing syndrome. Last evaluated: 2021-04-06. Review status: criteria provided, single submitter. Criteria: ACMG Guidelines, 2015. Collection method: clinical testing. Allele origin: germline.
Comment: This variant causes a T to C nucleotide substitution at the -6 position of intron 12 of the BRCA1 gene. To our knowledge, functional studies have not been reported for this variant. This variant has not been reported in individuals affected with hereditary cancer in the literature. This variant has not been identified in the general population by the Genome Aggregation Database (gnomAD). The available evidence is insufficient to determine the role of this variant in disease conclusively. Therefore, this variant is classified as a Variant of Uncertain Significance.

Research Molecular Genetics Laboratory, Women's College Hospital, University of Toronto
Classification: Uncertain significance. Last evaluated: 2014-01-31. Review status: no assertion criteria provided. Collection method: research. Allele origin: germline. Affected: yes. Study: The Canadian Open Genetics Repository (COGR). Not counted in ClinVar's aggregate classification.